The following is an entry in ClinVar:

ClinVar aggregate classification (germline): Uncertain significance. Review status: criteria provided, multiple submitters, no conflicts (2 of 4 stars). 2 submissions from 2 submitters: Uncertain significance (2). Last evaluated 2025-04-22.

Allele frequency attached by ClinVar (database versions not stated): ExAC 0.00002; gnomAD 0.00002; TOPMed 0.00002.
gnomAD v4.1: 12 of 1,600,214 alleles (0.00075%); highest among the groups gnomAD compares: East Asian, 0.025%; no homozygotes.

Submissions (2):

Labcorp Genetics (formerly Invitae), Labcorp
Classification: Uncertain significance. Last evaluated: 2025-04-22. Review status: criteria provided, single submitter. Criteria: Invitae Variant Classification Sherloc (09022015). Collection method: clinical testing. Allele origin: germline.
Comment: This sequence change replaces leucine, which is neutral and non-polar, with valine, which is neutral and non-polar, at codon 133 of the FGF20 protein (p.Leu133Val). This variant is present in population databases (rs761688715, gnomAD 0.06%), and has an allele count higher than expected for a pathogenic variant. This variant has not been reported in the literature in individuals affected with FGF20-related conditions. ClinVar contains an entry for this variant (Variation ID: 3094716). An algorithm developed to predict the effect of missense changes on protein structure and function (PolyPhen-2) suggests that this variant is likely to be disruptive. In summary, the available evidence is currently insufficient to determine the role of this variant in disease. Therefore, it has been classified as a Variant of Uncertain Significance.

Ambry Genetics
Classification: Uncertain significance. Last evaluated: 2024-01-16. Review status: criteria provided, single submitter. Criteria: Ambry Variant Classification Scheme 2023. Collection method: clinical testing. Allele origin: germline.

NM_019851.3(FGF20):c.397C>G (p.Leu133Val)

Gene: FGF20 (fibroblast growth factor 20; minus strand). Cytogenetic location: 8p22.
Variant type: single nucleotide variant.
Coding change: c.397C>G on transcript NM_019851.3 (MANE Select); coding-DNA position 397, C replaced by G.
Protein change: p.Leu133Val; replaces leucine 133 with valine.
Molecular consequence: missense variant.
Genome position (GRCh38, 1-based): chr8:16,993,311, G>C on the plus strand (C>G on the coding strand, the complement: FGF20 is on the minus strand). VCF-style: chr8-16993311-G-C. GRCh37 (hg19) VCF-style: chr8-16850820-G-C.
Other names: short protein forms L133V.
Identifiers: ClinVar variation 3094716 (VCV003094716.3), dbSNP rs761688715, ClinGen allele CA4641601.
Genomic context (GRCh38, chr8:16,993,311, plus strand): 5'-ATGAATAGGTGTTATACCAGTTCTCTTCAAACTGCTCCCTAAAGATGCATTCGGAAGTAA[G>C]TTTCTCCTGAAAGAGAGAAGATAACTATTATTTTTTAAAAAAATACCTTTGAGATAATTT-3'
Protein context (NP_062825.1, residues 123-143): DKGELYGSEK[Leu133Val]TSECIFREQF